The following is an entry in ClinVar:

ClinVar aggregate classification (germline): Uncertain significance (1 of 4 stars; one submission).

Conditions:
Symmetrical dyschromatosis of extremities (DSH). Also called: RETICULATE ACROPIGMENTATION OF DOHI; SYMMETRIC DYSCHROMATOSIS OF THE EXTREMITIES; Dyschromatosis symmetrica hereditaria; DYSCHROMATOSIS SYMMETRICA HEREDITARIA 1. Identifiers: Orphanet 41, MedGen C0406775, MONDO:0007483, OMIM 127400.
Aicardi-Goutieres syndrome 6 (AGS6). Identifiers: Orphanet 51, MedGen C3539013, MONDO:0014007, OMIM 615010.

Allele frequency attached by ClinVar (database versions not stated): TOPMed below 0.00001.

Submission:

Labcorp Genetics (formerly Invitae), Labcorp
Classification: Uncertain significance for Aicardi-Goutieres syndrome 6; Symmetrical dyschromatosis of extremities. Last evaluated: 2023-05-12. Review status: criteria provided, single submitter. Criteria: Invitae Variant Classification Sherloc (09022015). Collection method: clinical testing. Allele origin: germline.
Comment: In summary, the available evidence is currently insufficient to determine the role of this variant in disease. Therefore, it has been classified as a Variant of Uncertain Significance. Experimental studies and prediction algorithms are not available or were not evaluated, and the functional significance of this variant is currently unknown. This variant has not been reported in the literature in individuals affected with ADAR-related conditions. This variant is not present in population databases (gnomAD no frequency). This sequence change creates a premature translational stop signal (p.Tyr1173Alafs*5) in the ADAR gene. While this is not anticipated to result in nonsense mediated decay, it is expected to disrupt the last 54 amino acid(s) of the ADAR protein.

NM_001111.5(ADAR):c.3516_3519del (p.Tyr1173fs)

Gene: ADAR (adenosine deaminase RNA specific; minus strand). Cytogenetic location: 1q21.3.
Variant type: Deletion.
Coding change: c.3516_3519del on transcript NM_001111.5 (MANE Select); coding-DNA positions 3516 to 3519, 4 bases deleted (TTAC; older notation c.3516_3519delTTAC).
Protein change: p.Tyr1173fs; shifts the reading frame from tyrosine 1173.
Molecular consequence: frameshift variant.
Genome position (GRCh38, 1-based): chr1:154,584,968-154,584,971, GTAA deleted on the plus strand (TTAC on the coding strand, the reverse complement: ADAR is on the minus strand). VCF-style (leftmost placement, unchanged base first): chr1-154584967-GGTAA-G. GRCh37 (hg19) VCF-style: chr1-154557443-GGTAA-G.
Other names: c.2631_2634del, p.Tyr878fs (NM_001025107.3, NM_001193495.2, NM_001365046.1 and 2 more transcripts); c.3543_3546del, p.Tyr1182fs (NM_001365045.1); c.2553_2556del, p.Tyr852fs (NM_001365049.1); c.3438_3441del, p.Tyr1147fs (NM_015840.4); c.3381_3384del, p.Tyr1128fs (NM_015841.4); short protein forms Y1147fs, Y852fs, Y1173fs, Y878fs, Y1128fs, Y1182fs.
Identifiers: ClinVar variation 2940804 (VCV002940804.3), dbSNP rs1696648966, ClinGen allele CA2480931216.